The following is an entry in ClinVar:

NM_004415.4(DSP):c.6367C>T (p.Arg2123Cys)

Gene: DSP (desmoplakin; plus strand). Cytogenetic location: 6p24.3.
Variant type: single nucleotide variant.
Coding change: c.6367C>T on transcript NM_004415.4 (MANE Select); coding-DNA position 6367, C replaced by T.
Protein change: p.Arg2123Cys; replaces arginine 2123 with cysteine.
Molecular consequence: missense variant.
Genome position (GRCh38, 1-based): chr6:7,583,629, C>T. VCF-style: chr6-7583629-C-T. GRCh37 (hg19) VCF-style: chr6-7583862-C-T.
Other names: c.4570C>T, p.Arg1524Cys (NM_001008844.3); c.5038C>T, p.Arg1680Cys (NM_001319034.2); c.6367C>T (NM_004415.3); short protein forms R2123C, R1524C, R1680C.
Identifiers: ClinVar variation 163284 (VCV000163284.20), dbSNP rs372242085, ClinGen allele CA006892.

ClinVar aggregate classification (germline): Conflicting classifications of pathogenicity. Review status: criteria provided, conflicting classifications (1 of 4 stars). 8 submissions from 8 submitters: Uncertain significance (7); Likely benign (1). Last evaluated 2025-10-08.

Conditions:
Cardiovascular phenotype. Identifiers: MedGen CN230736.
DSP-related disorder. Also called: DSP-related condition; DSP-related disorders.
Arrhythmogenic cardiomyopathy with wooly hair and keratoderma. Also called: Dilated cardiomyopathy with woolly hair and keratoderma; Carvajal syndrome; PALMOPLANTAR KERATODERMA WITH LEFT VENTRICULAR CARDIOMYOPATHY AND WOOLLY HAIR; Arrhythmogenic cardiomyopathy with woolly hair and keratoderma. Identifiers: Orphanet 65282, MedGen C1854063, MONDO:0011581, OMIM 605676.
Keratosis palmoplantaris striata 2. Also called: KERATODERMA, PALMOPLANTAR, STRIATE FORM II; STRIATE PALMOPLANTAR KERATODERMA II; Keratosis palmoplantaris striata II. Identifiers: MedGen C1852127, MONDO:0013034, OMIM 612908.
Cardiomyopathy, dilated, with wooly hair, keratoderma, and tooth agenesis. Also called: Cardiomyopathy, dilated, with woolly hair, keratoderma, and tooth agenesis; Erythrokeratodermia-cardiomyopathy syndrome. Identifiers: Orphanet 476096, Orphanet 65282, MedGen C4014393, MONDO:0014355, OMIM 615821.
Lethal acantholytic epidermolysis bullosa (EBLA). Identifiers: Orphanet 158687, MedGen C1864826, MONDO:0012323, OMIM 609638.
Woolly hair-skin fragility syndrome (WHSF). Identifiers: Orphanet 293165, MedGen C1843292, MONDO:0957307, OMIM 620415.
Arrhythmogenic right ventricular dysplasia 8 (ARVD8). Also called: Arrhythmogenic Right Ventricular Dysplasia/Cardiomyopathy 8; ARRHYTHMOGENIC RIGHT VENTRICULAR DYSPLASIA, FAMILIAL, 8; ARRHYTHMOGENIC RIGHT VENTRICULAR CARDIOMYOPATHY 8. Identifiers: MedGen C1843896, MONDO:0011831, OMIM 607450.
Cardiomyopathy (CMYO). Also called: Cardiomyopathies. Identifiers: Orphanet 167848, MedGen C0878544, MONDO:0004994, HP:0001638. Inheritance: Various modes of inheritance.

Allele frequency attached by ClinVar (database versions not stated): 1000 Genomes Project below 0.00001; gnomAD 0.00001; TOPMed 0.00003; ESP Exome Variant Server 0.00015.
gnomAD v4.1: 23 of 1,614,116 alleles (0.0014%); highest among the groups gnomAD compares: Admixed American, 0.0083%; no homozygotes.

Submissions (8):

PreventionGenetics, part of Exact Sciences
Classification: Uncertain significance for DSP-related condition. Last evaluated: 2025-10-08. Review status: criteria provided, single submitter. Criteria: ACMG Guidelines, 2015. Collection method: clinical testing. Allele origin: germline.
Comment: The DSP c.6367C>T variant is predicted to result in the amino acid substitution p.Arg2123Cys. To our knowledge, this variant has not been reported in the literature. This variant is reported in 0.012% of alleles in individuals of African descent in gnomAD. At this time, the clinical significance of this variant is uncertain due to the absence of conclusive functional and genetic evidence.

Labcorp Genetics (formerly Invitae), Labcorp
Classification: Likely benign for Arrhythmogenic cardiomyopathy with wooly hair and keratoderma; Arrhythmogenic right ventricular dysplasia 8. Last evaluated: 2025-08-05. Review status: criteria provided, single submitter. Criteria: Invitae Variant Classification Sherloc (09022015). Collection method: clinical testing. Allele origin: germline.

Color Diagnostics, LLC DBA Color Health
Classification: Uncertain significance for Cardiomyopathy. Last evaluated: 2025-06-24. Review status: criteria provided, single submitter. Criteria: ACMG Guidelines, 2015. Collection method: clinical testing. Allele origin: germline.
Comment: This missense variant replaces arginine with cysteine at codon 2123 of the DSP protein. Computational prediction suggests that this variant may have deleterious impact on protein structure and function. To our knowledge, functional studies have not been reported for this variant. This variant has not been reported in individuals affected with DSP-related disorders in the literature. This variant has been identified in 6/251350 chromosomes in the general population by the Genome Aggregation Database (gnomAD). The available evidence is insufficient to determine the role of this variant in disease conclusively. Therefore, this variant is classified as a Variant of Uncertain Significance.

Ambry Genetics
Classification: Uncertain significance for Cardiovascular phenotype. Last evaluated: 2025-02-24. Review status: criteria provided, single submitter. Criteria: Ambry Variant Classification Scheme 2023. Collection method: clinical testing. Allele origin: germline.
Comment: The p.R2123C variant (also known as c.6367C>T), located in coding exon 24 of the DSP gene, results from a C to T substitution at nucleotide position 6367. The arginine at codon 2123 is replaced by cysteine, an amino acid with highly dissimilar properties. This amino acid position is conserved. In addition, this alteration is predicted to be deleterious by in silico analysis. Since supporting evidence is limited at this time, the clinical significance of this alteration remains unclear.

Blueprint Genetics
Classification: Uncertain significance. Last evaluated: 2024-01-16. Review status: criteria provided, single submitter. Criteria: ACMG Guidelines, 2015. Collection method: clinical testing. Allele origin: germline.

GeneDx
Classification: Uncertain significance. Last evaluated: 2022-11-09. Review status: criteria provided, single submitter. Criteria: GeneDx Variant Classification Process June 2021. Collection method: clinical testing. Allele origin: germline. Affected: yes.
Comment: Has not been previously published as pathogenic or benign to our knowledge; In silico analysis supports that this missense variant has a deleterious effect on protein structure/function

Fulgent Genetics
Classification: Uncertain significance for Arrhythmogenic cardiomyopathy with wooly hair and keratoderma; Arrhythmogenic right ventricular dysplasia 8; Lethal acantholytic epidermolysis bullosa; Keratosis palmoplantaris striata 2; Cardiomyopathy, dilated, with wooly hair, keratoderma, and tooth agenesis. Last evaluated: 2021-08-09. Review status: criteria provided, single submitter. Criteria: ACMG Guidelines, 2015. Collection method: clinical testing. Allele origin: unknown.

Laboratory for Molecular Medicine, Mass General Brigham Personalized Medicine
Classification: Uncertain significance. Last evaluated: 2013-04-12. Review status: criteria provided, single submitter. Criteria: LMM Criteria. Collection method: clinical testing. Allele origin: germline. Observed: 1 variant allele.
Comment: The Arg2123Cys variant in DSP has not been reported in individuals with cardiomy opathy or in large population studies. Computational analyses (biochemical amino acid properties, conservation, AlignGVGD, PolyPhen2, and SIFT) suggest that the variant may impact the protein, though this information is not predictive enoug h to determine pathogenicity. At this time, additional information is needed to fully assess the clinical significance of this variant.